The following is an entry in ClinVar:

NM_003126.4(SPTA1):c.5929del (p.Leu1977fs)

Gene: SPTA1 (spectrin alpha, erythrocytic 1; minus strand). Cytogenetic location: 1q23.1.
Variant type: Deletion.
Coding change: c.5929del on transcript NM_003126.4 (MANE Select); coding-DNA position 5929, one base deleted (C; older notation c.5929delC).
Protein change: p.Leu1977fs; shifts the reading frame from leucine 1977.
Molecular consequence: frameshift variant.
Genome position (GRCh38, 1-based): chr1:158,623,174, G deleted on the plus strand (C on the coding strand, the reverse complement: SPTA1 is on the minus strand). VCF-style (leftmost placement, unchanged base first): chr1-158623173-AG-A. GRCh37 (hg19) VCF-style: chr1-158592963-AG-A.
Other names: p.Leu1977Cysfs*15; short protein forms L1977fs.
Identifiers: ClinVar variation 4541649 (VCV004541649.1).

ClinVar aggregate classification (germline): Likely pathogenic (1 of 4 stars; one submission).

Submission:

Mayo Clinic Laboratories, Mayo Clinic
Classification: Likely pathogenic. Last evaluated: 2024-11-25. Review status: criteria provided, single submitter. Criteria: ACMG Guidelines, 2015. Collection method: clinical testing. Allele origin: germline. Observed: 1 variant allele.
Comment: PM2_supporting, PVS1